The following is an entry in ClinVar:

ClinVar aggregate classification (germline): Likely benign. Review status: criteria provided, multiple submitters, no conflicts (2 of 4 stars). 6 submissions from 5 submitters: Likely benign (5). 1 of the submissions does not count toward it. Last evaluated 2026-01-12.

Conditions:
ATR-related disorder. Also called: ATR-related condition.
Inborn genetic diseases. Identifiers: MedGen C0950123, MeSH D030342.
Seckel syndrome 1 (SCKL1). Also called: MICROCEPHALIC PRIMORDIAL DWARFISM I. Identifiers: Orphanet 808, MedGen C4551474, MONDO:0008869, OMIM 210600.
Familial cutaneous telangiectasia and oropharyngeal predisposition cancer syndrome. Identifiers: Orphanet 313846, MedGen C3281203, MONDO:0013806, OMIM 614564.

Allele frequency attached by ClinVar (database versions not stated): gnomAD 0.00005 and 0.00009; ESP Exome Variant Server 0.00008; TOPMed 0.00008; gnomAD exomes 0.00011; ExAC 0.00015; 1000 Genomes Project 0.00040; 1000 Genomes Project 30x 0.00047.
gnomAD v4.1: 171 of 1,611,764 alleles (0.011%); highest among the groups gnomAD compares: East Asian, 0.25%; no homozygotes.

Submissions (6):

Labcorp Genetics (formerly Invitae), Labcorp
Classification: Likely benign. Last evaluated: 2026-01-12. Review status: criteria provided, single submitter. Criteria: Invitae Variant Classification Sherloc (09022015). Collection method: clinical testing. Allele origin: germline.

Blueprint Genetics
Classification: Likely benign. Last evaluated: 2023-03-08. Review status: criteria provided, single submitter. Criteria: ACMG Guidelines, 2015. Collection method: clinical testing. Allele origin: germline.

Genome-Nilou Lab
Classification: Likely benign for Seckel syndrome 1. Last evaluated: 2023-02-08. Review status: criteria provided, single submitter. Criteria: ACMG Guidelines, 2015. Collection method: clinical testing. Allele origin: germline.

Genome-Nilou Lab
Classification: Likely benign for Familial cutaneous telangiectasia and oropharyngeal predisposition cancer syndrome. Last evaluated: 2023-02-08. Review status: criteria provided, single submitter. Criteria: ACMG Guidelines, 2015. Collection method: clinical testing. Allele origin: germline.

Ambry Genetics
Classification: Likely benign for Inborn genetic diseases. Last evaluated: 2022-02-21. Review status: criteria provided, single submitter. Criteria: Ambry Variant Classification Scheme 2023. Collection method: clinical testing. Allele origin: germline.

PreventionGenetics, part of Exact Sciences
Classification: Likely benign for ATR-related condition. Last evaluated: 2019-07-10. Review status: no assertion criteria provided. Collection method: clinical testing. Allele origin: germline. Not counted in ClinVar's aggregate classification.
Comment: This variant is classified as likely benign based on ACMG/AMP sequence variant interpretation guidelines (Richards et al. 2015 PMID: 25741868, with internal and published modifications).

NM_001184.4(ATR):c.6327C>T (p.Arg2109=)

Gene: ATR (ATR checkpoint kinase; minus strand). Cytogenetic location: 3q23.
Variant type: single nucleotide variant.
Coding change: c.6327C>T on transcript NM_001184.4 (MANE Select); coding-DNA position 6327, C replaced by T.
Protein change: p.Arg2109=; no amino-acid change (arginine 2109 retained).
Molecular consequence: synonymous variant.
Genome position (GRCh38, 1-based): chr3:142,469,562, G>A on the plus strand (C>T on the coding strand, the complement: ATR is on the minus strand). VCF-style: chr3-142469562-G-A. GRCh37 (hg19) VCF-style: chr3-142188404-G-A.
Other names: c.6135C>T, p.Arg2045= (NM_001354579.2).
Identifiers: ClinVar variation 1089371 (VCV001089371.14), dbSNP rs147210068, ClinGen allele CA2649350.
Genomic context (GRCh38, chr3:142,469,562, plus strand): 5'-ATGCTCTGTGATAACCTTGTTTATTTTACCCAAATCATTCCTCATTTGTACACGATCGGA[G>A]CGGCCAGCTGGGGGAAGAAATAAGTTTAAAAAACAATAAAGGAAAGAGAAAAATCAGTAT-3'
Protein context (NP_001175.2, residues 2099-2119): TKAYEWEKAG[Arg2109=]SDRVQMRNDL